The following is an entry in ClinVar:

ClinVar aggregate classification (germline): Uncertain significance (1 of 4 stars; one submission).

Conditions:
Ataxia-telangiectasia syndrome (AT). Also called: Ataxia-telangiectasia, complementation group D; AT, COMPLEMENTATION GROUP C; Ataxia telangiectasia (A-T); Cerebello-oculocutaneous telangiectasia; Immunodeficiency with ataxia telangiectasia; Ataxia-telangiectasia. Identifiers: Orphanet 100, MedGen C0004135, MONDO:0008840, OMIM 208900.

Allele frequency attached by ClinVar (database versions not stated): gnomAD exomes below 0.00001.
gnomAD v4.1: 4 of 1,613,404 alleles (0.00025%); highest among the groups gnomAD compares: South Asian, 0.0044%; no homozygotes.

Submission:

Labcorp Genetics (formerly Invitae), Labcorp
Classification: Uncertain significance for Ataxia-telangiectasia syndrome. Last evaluated: 2019-12-03. Review status: criteria provided, single submitter. Criteria: Invitae Variant Classification Sherloc (09022015). Collection method: clinical testing. Allele origin: germline.
Comment: Algorithms developed to predict the effect of missense changes on protein structure and function output the following: SIFT: "Tolerated"; PolyPhen-2: "Benign"; Align-GVGD: "Class C0". The phenylalanine amino acid residue is found in multiple mammalian species, suggesting that this missense change does not adversely affect protein function. These predictions have not been confirmed by published functional studies and their clinical significance is uncertain. This variant has not been reported in the literature in individuals with ATM-related conditions. This variant is not present in population databases (ExAC no frequency). This sequence change replaces serine with phenylalanine at codon 226 of the ATM protein (p.Ser226Phe). The serine residue is weakly conserved and there is a large physicochemical difference between serine and phenylalanine. In summary, the available evidence is currently insufficient to determine the role of this variant in disease. Therefore, it has been classified as a Variant of Uncertain Significance.

NM_000051.4(ATM):c.677C>T (p.Ser226Phe)

Gene: ATM (ATM serine/threonine kinase; plus strand). Cytogenetic location: 11q22.3.
Variant type: single nucleotide variant.
Coding change: c.677C>T on transcript NM_000051.4 (MANE Select); coding-DNA position 677, C replaced by T.
Protein change: p.Ser226Phe; replaces serine 226 with phenylalanine.
Molecular consequence: missense variant.
Genome position (GRCh38, 1-based): chr11:108,244,802, C>T. VCF-style: chr11-108244802-C-T. GRCh37 (hg19) VCF-style: chr11-108115529-C-T.
Other names: c.677C>T, p.Ser226Phe (NM_001351834.2); short protein forms S226F.
Identifiers: ClinVar variation 839482 (VCV000839482.9), dbSNP rs2079754211, ClinGen allele CA382529008.